The following is an entry in ClinVar:

NM_001035.3(RYR2):c.12705C>T (p.Phe4235=)

Genes: RYR2 (ryanodine receptor 2; plus strand), LOC126806068 (BRD4-independent group 4 enhancer GRCh37_chr1:237947411-237948610; plus strand). Cytogenetic location: 1q43.
Variant type: single nucleotide variant.
Coding change: c.12705C>T on transcript NM_001035.3 (MANE Select); coding-DNA position 12705, C replaced by T.
Protein change: p.Phe4235=; no amino-acid change (phenylalanine 4235 retained).
Molecular consequence: synonymous variant.
Genome position (GRCh38, 1-based): chr1:237,784,417, C>T. VCF-style: chr1-237784417-C-T. GRCh37 (hg19) VCF-style: chr1-237947717-C-T.
Identifiers: ClinVar variation 43721 (VCV000043721.72), dbSNP rs373606009, ClinGen allele CA007686.

ClinVar aggregate classification (germline): Conflicting classifications of pathogenicity. Review status: criteria provided, conflicting classifications (1 of 4 stars). 16 submissions from 16 submitters: Uncertain significance (1); Benign (5); Likely benign (5). 5 of the submissions do not count toward it. Last evaluated 2026-03-01.

Conditions:
RYR2-related disorder. Also called: RYR2-related condition.
Cardiovascular phenotype. Identifiers: MedGen CN230736.
Cardiomyopathy (CMYO). Also called: Cardiomyopathies. Identifiers: Orphanet 167848, MedGen C0878544, MONDO:0004994, HP:0001638. Inheritance: Various modes of inheritance.
Catecholaminergic polymorphic ventricular tachycardia 1. Also called: VENTRICULAR TACHYCARDIA, STRESS-INDUCED POLYMORPHIC 1; RYR2-Related Catecholaminergic Polymorphic Ventricular Tachycardia; VENTRICULAR TACHYCARDIA, CATECHOLAMINERGIC POLYMORPHIC, 1, WITH OR WITHOUT ATRIAL DYSFUNCTION AND/OR DILATED CARDIOMYOPATHY. Identifiers: Orphanet 3286, MedGen C1631597, MONDO:0011484, OMIM 604772.
Catecholaminergic polymorphic ventricular tachycardia (CVPT). Also called: Catecholamine-induced polymorphic ventricular tachycardia. Identifiers: Orphanet 3286, MedGen C5574922, MONDO:0017990.

Allele frequency attached by ClinVar (database versions not stated): 1000 Genomes Project 30x 0.00031; ExAC 0.00031; ESP Exome Variant Server 0.00033; TOPMed 0.00034; gnomAD exomes 0.00036 and 0.00061; 1000 Genomes Project 0.00040; gnomAD 0.00041 and 0.00042.
gnomAD v4.1: 975 of 1,613,854 alleles (0.06%); highest among the groups gnomAD compares: Non-Finnish European, 0.068%; 1 homozygote.

Submissions (16):

CeGaT Center for Human Genetics Tuebingen
Classification: Likely benign. Last evaluated: 2026-03-01. Review status: criteria provided, single submitter. Criteria: CeGaT Center For Human Genetics Tuebingen Variant Classification Criteria Version 2. Collection method: clinical testing. Allele origin: germline. Affected: yes. Observed: 12 variant alleles.
Comment: RYR2: BP4

Labcorp Genetics (formerly Invitae), Labcorp
Classification: Likely benign for Catecholaminergic polymorphic ventricular tachycardia 1. Last evaluated: 2026-02-02. Review status: criteria provided, single submitter. Criteria: Invitae Variant Classification Sherloc (09022015). Collection method: clinical testing. Allele origin: germline.

Blueprint Genetics
Classification: Likely benign. Last evaluated: 2024-11-21. Review status: criteria provided, single submitter. Criteria: ACMG Guidelines, 2015. Collection method: clinical testing. Allele origin: germline.

All of Us Research Program, National Institutes of Health
Classification: Benign for Catecholaminergic polymorphic ventricular tachycardia. Last evaluated: 2024-02-05. Review status: criteria provided, single submitter. Criteria: ACMG Guidelines, 2015. Collection method: clinical testing. Allele origin: germline. Inheritance: Autosomal dominant inheritance. Observed: 94 variant alleles, 94 heterozygotes.
Comment: This study involves interpretation of variants in research participants for the purpose of population health screening. Participant phenotype was not available at the time of variant classification. Additional details can be found in publication PMID: 35346344, PMCID: PMC8962531

CHEO Genetics Diagnostic Laboratory, Children's Hospital of Eastern Ontario
Classification: Benign for Cardiomyopathy. Last evaluated: 2020-12-30. Review status: criteria provided, single submitter. Criteria: ACMG Guidelines, 2015. Collection method: clinical testing. Allele origin: germline.

Color Diagnostics, LLC DBA Color Health
Classification: Benign for Cardiomyopathy. Last evaluated: 2018-10-16. Review status: criteria provided, single submitter. Criteria: ACMG Guidelines, 2015. Collection method: clinical testing. Allele origin: germline.

Women's Health and Genetics/Laboratory Corporation of America, LabCorp
Classification: Benign. Last evaluated: 2018-10-01. Review status: criteria provided, single submitter. Criteria: LabCorp Variant Classification Summary - May 2015. Collection method: clinical testing. Allele origin: germline.
Comment: Variant summary: RYR2 c.12705C>T alters a non-conserved nucleotide resulting in a synonymous change. 5/5 computational tools predict no significant impact on normal splicing. However, these predictions have yet to be confirmed by functional studies. The variant allele was found at a frequency of 0.00034 in 276036 control chromosomes. The observed variant frequency is approximately 14 fold of the estimated maximal expected allele frequency for a pathogenic variant in RYR2 causing Cardiomyopathy phenotype (2.5e-05), strongly suggesting that the variant is benign. To our knowledge, no occurrence of c.12705C>T in individuals affected with Cardiomyopathy and no experimental evidence demonstrating its impact on protein function have been reported. Three clinical diagnostic laboratories have submitted clinical-significance assessments for this variant to ClinVar after 2014 without evidence for independent evaluation. Based on the evidence outlined above, the variant was classified as benign.

Ambry Genetics
Classification: Likely benign for Cardiovascular phenotype. Last evaluated: 2017-07-10. Review status: criteria provided, single submitter. Criteria: Ambry Variant Classification Scheme 2023. Collection method: clinical testing. Allele origin: germline.

Eurofins Ntd Llc (ga)
Classification: Uncertain significance. Last evaluated: 2015-03-16. Review status: criteria provided, single submitter. Criteria: EGL Classification Definitions 2015. Collection method: clinical testing. Allele origin: germline. Observed: 1 variant allele, 1 heterozygote.

GeneDx
Classification: Benign. Last evaluated: 2015-03-03. Review status: criteria provided, single submitter. Criteria: GeneDx Variant Classification Process June 2021. Collection method: clinical testing. Allele origin: germline. Affected: yes.

Laboratory for Molecular Medicine, Mass General Brigham Personalized Medicine
Classification: Likely benign. Last evaluated: 2012-01-10. Review status: criteria provided, single submitter. Criteria: LMM Criteria. Collection method: clinical testing. Allele origin: germline. Observed: 2 variant alleles.
Comment: Phe4235Phe in exon 90 of RYR2: This variant is not expected to have clinical sig nificance because it does not alter an amino acid residue and is not located wit hin the splice consensus sequence. This variant has been identified in 0.06% (4/ 6706) of European American chromosomes from a broad, though clinically unspecifi ed population (NHLBI Exome Sequencing Project) . Phe4235Phe in exon 90 of RYR2 (NHLBI Exome Sequencing Project; allele frequ ency = 0.06%, 4/6706)

PreventionGenetics, part of Exact Sciences
Classification: Likely benign for RYR2-related condition. Last evaluated: 2019-02-19. Review status: no assertion criteria provided. Collection method: clinical testing. Allele origin: germline. Not counted in ClinVar's aggregate classification.
Comment: This variant is classified as likely benign based on ACMG/AMP sequence variant interpretation guidelines (Richards et al. 2015 PMID: 25741868, with internal and published modifications).

Clinical Genetics DNA and cytogenetics Diagnostics Lab, Erasmus MC, Erasmus Medical Center
Classification: Likely benign. Review status: no assertion criteria provided. Collection method: clinical testing. Allele origin: germline. Affected: yes. Study: VKGL Data-share Consensus. Not counted in ClinVar's aggregate classification.

Clinical Genetics, Academic Medical Center
Classification: Benign. Review status: no assertion criteria provided. Collection method: clinical testing. Allele origin: germline. Affected: yes. Study: VKGL Data-share Consensus. Not counted in ClinVar's aggregate classification.

Genome Diagnostics Laboratory, University Medical Center Utrecht
Classification: Likely benign. Review status: no assertion criteria provided. Collection method: clinical testing. Allele origin: germline. Affected: yes. Study: VKGL Data-share Consensus. Not counted in ClinVar's aggregate classification.

Joint Genome Diagnostic Labs from Nijmegen and Maastricht, Radboudumc and MUMC+
Classification: Likely benign. Review status: no assertion criteria provided. Collection method: clinical testing. Allele origin: germline. Affected: yes. Study: VKGL Data-share Consensus. Not counted in ClinVar's aggregate classification.